The following is an entry in ClinVar:

ClinVar aggregate classification (germline): Pathogenic (1 of 4 stars; one submission).

Conditions:
Aicardi-Goutieres syndrome 5. Identifiers: Orphanet 51, MedGen C2749659, MONDO:0013059, OMIM 612952.

Submission:

Labcorp Genetics (formerly Invitae), Labcorp
Classification: Pathogenic for Aicardi-Goutieres syndrome 5. Last evaluated: 2020-01-21. Review status: criteria provided, single submitter. Criteria: Invitae Variant Classification Sherloc (09022015). Collection method: clinical testing. Allele origin: germline.
Comment: This variant is an out-of-frame deletion of the genomic region encompassing exon 4 of the SAMHD1 gene. This is expected to create a premature translational stop signal and result in an absent or disrupted protein product. This variant has not been reported in the literature in individuals with SAMHD1-related conditions. Loss-of-function variants in SAMHD1 are known to be pathogenic (PMID: 19525956, 22461318). For these reasons, this variant has been classified as Pathogenic.

Literature cited by the submitters: PubMed 19525956; PubMed 22461318.

NC_000020.10:g.(?_35563422)_(35563602_?)del

Gene: SAMHD1 (SAM and HD domain containing deoxynucleoside triphosphate triphosphohydrolase 1; minus strand). Cytogenetic location: 20q11.23.
Variant type: Deletion.
Identifiers: ClinVar variation 1070389 (VCV001070389.1).